The following is an entry in ClinVar:

NM_001190274.2(FBXO11):c.1581T>G (p.Gly527=)

Gene: FBXO11 (F-box protein 11; minus strand). Cytogenetic location: 2p16.3.
Variant type: single nucleotide variant.
Coding change: c.1581T>G on transcript NM_001190274.2 (MANE Select); coding-DNA position 1581, T replaced by G.
Protein change: p.Gly527=; no amino-acid change (glycine 527 retained).
Molecular consequence: synonymous variant.
Genome position (GRCh38, 1-based): chr2:47,823,178, A>C on the plus strand (T>G on the coding strand, the complement: FBXO11 is on the minus strand). VCF-style: chr2-47823178-A-C. GRCh37 (hg19) VCF-style: chr2-48050317-A-C.
Other names: c.1329T>G, p.Gly443= (NM_001374325.1, NM_025133.4).
Identifiers: ClinVar variation 3646560 (VCV003646560.2).

ClinVar aggregate classification (germline): Uncertain significance (1 of 4 stars; one submission).

Submission:

Labcorp Genetics (formerly Invitae), Labcorp
Classification: Uncertain significance. Last evaluated: 2024-03-18. Review status: criteria provided, single submitter. Criteria: Invitae Variant Classification Sherloc (09022015). Collection method: clinical testing. Allele origin: germline.
Comment: This sequence change affects codon 527 of the FBXO11 mRNA. It is a 'silent' change, meaning that it does not change the encoded amino acid sequence of the FBXO11 protein. This variant is not present in population databases (gnomAD no frequency). This variant has not been reported in the literature in individuals affected with FBXO11-related conditions. Algorithms developed to predict the effect of sequence changes on RNA splicing suggest that this variant may create or strengthen a splice site. In summary, the available evidence is currently insufficient to determine the role of this variant in disease. Therefore, it has been classified as a Variant of Uncertain Significance.